The following is an entry in ClinVar:

ClinVar aggregate classification (germline): Uncertain significance (1 of 4 stars; one submission).

Conditions:
Hereditary spastic paraplegia 11. Also called: Spastic paraplegia, mental retardation and thin corpus callosum; Nakamura Osame syndrome; Autosomal recessive hereditary spastic paraplegia, mental impairment, and thin corpus callosum; SPASTIC PARAPLEGIA, AUTOSOMAL RECESSIVE, COMPLICATED, WITH THIN CORPUS CALLOSUM; SPASTIC PARAPLEGIA, AUTOSOMAL RECESSIVE, WITH MENTAL IMPAIRMENT AND THIN CORPUS CALLOSUM; Spastic Paraplegia 11. Identifiers: Orphanet 2822, MedGen C1858479, MONDO:0011445, OMIM 604360.

Allele frequency attached by ClinVar (database versions not stated): TOPMed 0.00001; ExAC 0.00002.
gnomAD v4.1: 14 of 1,594,032 alleles (0.00088%); highest among the groups gnomAD compares: Middle Eastern, 0.083%; no homozygotes.

Submission:

Labcorp Genetics (formerly Invitae), Labcorp
Classification: Uncertain significance for Hereditary spastic paraplegia 11. Last evaluated: 2022-07-16. Review status: criteria provided, single submitter. Criteria: Invitae Variant Classification Sherloc (09022015). Collection method: clinical testing. Allele origin: germline.
Comment: This sequence change replaces threonine, which is neutral and polar, with methionine, which is neutral and non-polar, at codon 58 of the SPG11 protein (p.Thr58Met). The frequency data for this variant in the population databases is considered unreliable, as metrics indicate poor data quality at this position in the gnomAD database. This variant has not been reported in the literature in individuals affected with SPG11-related conditions. ClinVar contains an entry for this variant (Variation ID: 838278). Algorithms developed to predict the effect of missense changes on protein structure and function are either unavailable or do not agree on the potential impact of this missense change (SIFT: "Tolerated"; PolyPhen-2: "Probably Damaging"; Align-GVGD: "Class C0"). In summary, the available evidence is currently insufficient to determine the role of this variant in disease. Therefore, it has been classified as a Variant of Uncertain Significance.

NM_025137.4(SPG11):c.173C>T (p.Thr58Met)

Gene: SPG11 (SPG11 vesicle trafficking associated, spatacsin; minus strand). Cytogenetic location: 15q21.1.
Variant type: single nucleotide variant.
Coding change: c.173C>T on transcript NM_025137.4 (MANE Select); coding-DNA position 173, C replaced by T.
Protein change: p.Thr58Met; replaces threonine 58 with methionine.
Molecular consequence: missense variant.
Genome position (GRCh38, 1-based): chr15:44,663,475, G>A on the plus strand (C>T on the coding strand, the complement: SPG11 is on the minus strand). VCF-style: chr15-44663475-G-A. GRCh37 (hg19) VCF-style: chr15-44955673-G-A.
Other names: c.173C>T, p.Thr58Met (NM_001160227.2); short protein forms T58M.
Identifiers: ClinVar variation 838278 (VCV000838278.7), dbSNP rs780151569, ClinGen allele CA7535933.